The following is an entry in ClinVar:

ClinVar aggregate classification (germline): Uncertain significance. Review status: criteria provided, multiple submitters, no conflicts (2 of 4 stars). 5 submissions from 5 submitters: Uncertain significance (4). 1 of the submissions does not count toward it. Last evaluated 2026-06-09.

Conditions:
Bardet-Biedl syndrome (BBS). Identifiers: Orphanet 110, MedGen C0752166, MONDO:0015229.
Bardet-Biedl syndrome 1 (BBS1). Identifiers: MedGen C2936862, MONDO:0008854, OMIM 209900. Disease mechanism: loss of function.
BBS1-related disorder. Also called: BBS1-related condition.

Allele frequency attached by ClinVar (database versions not stated): gnomAD exomes 0.00004 and 0.00006; ExAC 0.00012; gnomAD 0.00015 and 0.00016; 1000 Genomes Project 30x 0.00016; TOPMed 0.00019; 1000 Genomes Project 0.00020; ESP Exome Variant Server 0.00038.
gnomAD v4.1: 82 of 1,612,984 alleles (0.0051%); highest among the groups gnomAD compares: African/African-American, 0.056%; no homozygotes.

Submissions (5):

PreventionGenetics, part of Exact Sciences
Classification: Uncertain significance for BBS1-related condition. Last evaluated: 2026-06-09. Review status: criteria provided, single submitter. Criteria: ACMG Guidelines, 2015. Collection method: clinical testing. Allele origin: germline.
Comment: The BBS1 c.1109C>T variant is predicted to result in the amino acid substitution p.Pro370Leu. To our knowledge, this variant has not been reported in the literature. This variant is reported in 0.060% of alleles in individuals of African descent in gnomAD, which may be too frequent to be a primary cause of disease. Although we suspect that this variant may be benign, the clinical significance of this variant is classified as uncertain at this time due to the absence of conclusive functional and genetic evidence.

Blueprint Genetics
Classification: Uncertain significance. Last evaluated: 2024-07-24. Review status: criteria provided, single submitter. Criteria: ACMG Guidelines, 2015. Collection method: clinical testing. Allele origin: germline.

Labcorp Genetics (formerly Invitae), Labcorp
Classification: Uncertain significance for Bardet-Biedl syndrome. Last evaluated: 2022-10-17. Review status: criteria provided, single submitter. Criteria: Invitae Variant Classification Sherloc (09022015). Collection method: clinical testing. Allele origin: germline.
Comment: This sequence change replaces proline, which is neutral and non-polar, with leucine, which is neutral and non-polar, at codon 370 of the BBS1 protein (p.Pro370Leu). This variant is present in population databases (rs141255069, gnomAD 0.06%). This variant has not been reported in the literature in individuals affected with BBS1-related conditions. ClinVar contains an entry for this variant (Variation ID: 843339). Algorithms developed to predict the effect of missense changes on protein structure and function are either unavailable or do not agree on the potential impact of this missense change (SIFT: "Deleterious"; PolyPhen-2: "Benign"; Align-GVGD: "Class C0"). In summary, the available evidence is currently insufficient to determine the role of this variant in disease. Therefore, it has been classified as a Variant of Uncertain Significance.

Fulgent Genetics
Classification: Uncertain significance for Bardet-Biedl syndrome 1. Last evaluated: 2022-01-25. Review status: criteria provided, single submitter. Criteria: ACMG Guidelines, 2015. Collection method: clinical testing. Allele origin: unknown.

Natera, Inc.
Classification: Uncertain significance for Bardet-Biedl syndrome type 1. Last evaluated: 2020-09-16. Review status: no assertion criteria provided. Collection method: clinical testing. Allele origin: germline. Not counted in ClinVar's aggregate classification.

NM_024649.5(BBS1):c.1109C>T (p.Pro370Leu)

Genes: BBS1 (Bardet-Biedl syndrome 1; plus strand), ZDHHC24 (zDHHC palmitoyltransferase 24; minus strand). Cytogenetic location: 11q13.2.
Variant type: single nucleotide variant.
Coding change: c.1109C>T on transcript NM_024649.5 (MANE Select); coding-DNA position 1109, C replaced by T.
Protein change: p.Pro370Leu; replaces proline 370 with leucine.
Molecular consequence: missense variant. On other transcripts: intron variant (1).
Genome position (GRCh38, 1-based): chr11:66,523,881, C>T. VCF-style: chr11-66523881-C-T. GRCh37 (hg19) VCF-style: chr11-66291352-C-T.
Other names: c.*22-2415G>A (NM_001348571.2); short protein forms P370L.
Identifiers: ClinVar variation 843339 (VCV000843339.11), dbSNP rs141255069, ClinGen allele CA6123609.